The following is an entry in ClinVar:

ClinVar aggregate classification (germline): Uncertain significance (1 of 4 stars; one submission).

Conditions:
Peroxisome biogenesis disorder 7A (Zellweger). Also called: Peroxisome biogenesis disorder 7A. Identifiers: Orphanet 912, MedGen C3888385, MONDO:0013938, OMIM 614872.
Peroxisome biogenesis disorder 7B (PBD7B). Identifiers: Orphanet 44, MedGen C3553951, MONDO:0013939, OMIM 614873.

Submission:

Labcorp Genetics (formerly Invitae), Labcorp
Classification: Uncertain significance for Peroxisome biogenesis disorder 7A (Zellweger); Peroxisome biogenesis disorder 7B. Last evaluated: 2021-08-31. Review status: criteria provided, single submitter. Criteria: Invitae Variant Classification Sherloc (09022015). Collection method: clinical testing. Allele origin: germline.
Comment: This sequence change replaces valine with glycine at codon 25 of the PEX26 protein (p.Val25Gly). The valine residue is weakly conserved and there is a moderate physicochemical difference between valine and glycine. This variant is not present in population databases (ExAC no frequency). This variant has not been reported in the literature in individuals affected with PEX26-related conditions. Algorithms developed to predict the effect of missense changes on protein structure and function are either unavailable or do not agree on the potential impact of this missense change (SIFT: "Deleterious"; PolyPhen-2: "Benign"; Align-GVGD: "Class C0"). In summary, the available evidence is currently insufficient to determine the role of this variant in disease. Therefore, it has been classified as a Variant of Uncertain Significance.

NM_001127649.3(PEX26):c.74T>G (p.Val25Gly)

Gene: PEX26 (peroxisomal biogenesis factor 26; plus strand). Cytogenetic location: 22q11.21.
Variant type: single nucleotide variant.
Coding change: c.74T>G on transcript NM_001127649.3 (MANE Select); coding-DNA position 74, T replaced by G.
Protein change: p.Val25Gly; replaces valine 25 with glycine.
Molecular consequence: missense variant.
Genome position (GRCh38, 1-based): chr22:18,078,450, T>G. VCF-style: chr22-18078450-T-G. GRCh37 (hg19) VCF-style: chr22-18561216-T-G.
Other names: c.74T>G, p.Val25Gly (NM_001199319.2, NM_017929.6); short protein forms V25G.
Identifiers: ClinVar variation 1466795 (VCV001466795.6), dbSNP rs2123644052, ClinGen allele CA410264365.
Genomic context (GRCh38, chr22:18,078,450, plus strand): 5'-CTTCGACCTCTGCAGCCCCCCTCAGGGGGCTCGGGGGACCCCTGCGCAGCAGCGAGCCGG[T>G]GCGCGCGGTCCCGGCCCGGGCGCCGGCCGTGGACCTTCTGGAGGAGGCGGCCGACCTCCT-3'
Protein context (NP_001121121.1, residues 15-35): LGGPLRSSEP[Val25Gly]RAVPARAPAV